The following is an entry in ClinVar:

NM_006949.4(STXBP2):c.1424G>A (p.Trp475Ter)

Gene: STXBP2 (syntaxin binding protein 2; plus strand). Cytogenetic location: 19p13.2.
Variant type: single nucleotide variant.
Coding change: c.1424G>A on transcript NM_006949.4 (MANE Select); coding-DNA position 1424, G replaced by A.
Protein change: p.Trp475Ter; replaces tryptophan 475 with a stop codon.
Molecular consequence: nonsense. On other transcripts: non-coding transcript variant (1).
Genome position (GRCh38, 1-based): chr19:7,646,316, G>A. VCF-style: chr19-7646316-G-A. GRCh37 (hg19) VCF-style: chr19-7711202-G-A.
Other names: c.1415G>A, p.Trp472Ter (NM_001127396.3); c.1457G>A, p.Trp486Ter (NM_001272034.2); c.1328G>A, p.Trp443Ter (NM_001414484.1); short protein forms W443*, W472*, W475*, W486*.
Identifiers: ClinVar variation 3236421 (VCV003236421.2), dbSNP rs2512711496, ClinGen allele CA403161654.

ClinVar aggregate classification (germline): Likely pathogenic (1 of 4 stars; one submission).

Conditions:
Familial hemophagocytic lymphohistiocytosis 5. Also called: STXBP2-Related Familial Hemophagocytic Lymphohistiocytosis (STXBP2-fHLH). Identifiers: Orphanet 540, MedGen C2751293, MONDO:0013135, OMIM 613101.

Submission:

Neuberg Centre For Genomic Medicine, NCGM
Classification: Likely pathogenic for Familial hemophagocytic lymphohistiocytosis 5. Review status: criteria provided, single submitter. Criteria: ACMG Guidelines, 2015. Collection method: clinical testing. Allele origin: germline. Inheritance: Autosomal recessive inheritance. Affected: yes.
Comment: The stop gained c.1424G>A p.Trp475Ter variant in STXBP2 gene has not been reported previously as a pathogenic variant nor as a benign variant, to our knowledge. The p.Trp475Ter variant is novel not in any individuals in gnomAD Exomes and is novel not in any individuals in 1000 Genomes. This variant has not been reported to the ClinVar database. The nucleotide change c.1424G>A in STXBP2 is predicted as conserved by GERP++ and PhyloP across 100 vertebrates. This variant is predicted to cause loss of normal protein function through protein truncation. Loss of function variants have been previously reported to be disease causing. For these reasons, this variant has been classified as Likely Pathogenic. In the absence of another reportable variant in STXBP2 gene, the molecular diagnosis is not confirmed.